The following is an entry in ClinVar:

NM_021815.5(SLC5A7):c.1046A>G (p.Asp349Gly)

Gene: SLC5A7 (solute carrier family 5 member 7; plus strand). Cytogenetic location: 2q12.3.
Variant type: single nucleotide variant.
Coding change: c.1046A>G on transcript NM_021815.5 (MANE Select); coding-DNA position 1046, A replaced by G.
Protein change: p.Asp349Gly; replaces aspartic acid 349 with glycine.
Molecular consequence: missense variant.
Genome position (GRCh38, 1-based): chr2:108,008,615, A>G. VCF-style: chr2-108008615-A-G. GRCh37 (hg19) VCF-style: chr2-108625071-A-G.
Other names: c.1046A>G, p.Asp349Gly (NM_001305005.3); c.731A>G, p.Asp244Gly (NM_001305006.3); c.305A>G, p.Asp102Gly (NM_001305007.3); short protein forms D102G, D244G, D349G.
Identifiers: ClinVar variation 1483846 (VCV001483846.6), dbSNP rs2104379374, ClinGen allele CA348113711.

ClinVar aggregate classification (germline): Uncertain significance (1 of 4 stars; one submission).

Conditions:
Congenital myasthenic syndrome 20. Also called: Myasthenic syndrome, congenital, 20, presynaptic. Identifiers: MedGen C4310694, MONDO:0014939, OMIM 617143.
Neuronopathy, distal hereditary motor, type 7A. Also called: HARPER-YOUNG MYOPATHY; HMN VIIA; Neuronopathy, distal hereditary motor, type viia; NEURONOPATHY, DISTAL HEREDITARY MOTOR, HARDING TYPE VIIA; NEUROPATHY, DISTAL HEREDITARY MOTOR, HARDING TYPE VIIA; Neuronopathy, distal hereditary motor, autosomal dominant 7. Identifiers: Orphanet 139589, MedGen C1834703, MONDO:0008024, OMIM 158580.

Submission:

Labcorp Genetics (formerly Invitae), Labcorp
Classification: Uncertain significance for Neuronopathy, distal hereditary motor, type 7A; Congenital myasthenic syndrome 20. Last evaluated: 2025-11-18. Review status: criteria provided, single submitter. Criteria: Invitae Variant Classification Sherloc (09022015). Collection method: clinical testing. Allele origin: germline.
Comment: This sequence change replaces aspartic acid, which is acidic and polar, with glycine, which is neutral and non-polar, at codon 349 of the SLC5A7 protein (p.Asp349Gly). This variant is not present in population databases (gnomAD no frequency). This variant has not been reported in the literature in individuals affected with SLC5A7-related conditions. ClinVar contains an entry for this variant (Variation ID: 1483846). Invitae Evidence Modeling of protein sequence and biophysical properties (such as structural, functional, and spatial information, amino acid conservation, physicochemical variation, residue mobility, and thermodynamic stability) indicates that this missense variant is expected to disrupt SLC5A7 protein function with a positive predictive value of 80%. In summary, the available evidence is currently insufficient to determine the role of this variant in disease. Therefore, it has been classified as a Variant of Uncertain Significance.